The following is an entry in ClinVar:

NM_182931.3(KMT2E):c.5256G>A (p.Ser1752=)

Gene: KMT2E (lysine methyltransferase 2E (inactive); plus strand). Cytogenetic location: 7q22.3.
Variant type: single nucleotide variant.
Coding change: c.5256G>A on transcript NM_182931.3 (MANE Select); coding-DNA position 5256, G replaced by A.
Protein change: p.Ser1752=; no amino-acid change (serine 1752 retained).
Molecular consequence: synonymous variant.
Genome position (GRCh38, 1-based): chr7:105,113,012, G>A. VCF-style: chr7-105113012-G-A. GRCh37 (hg19) VCF-style: chr7-104753459-G-A.
Other names: c.5130G>A, p.Ser1710= (NM_001410908.1); c.5256G>A, p.Ser1752= (NM_018682.4); c.5256G>A (NM_182931.2).
Identifiers: ClinVar variation 2064213 (VCV002064213.7), dbSNP rs149960021, ClinGen allele CA4424949.

ClinVar aggregate classification (germline): Benign/Likely benign. Review status: criteria provided, multiple submitters, no conflicts (2 of 4 stars). 3 submissions from 3 submitters: Benign (1); Likely benign (1). 1 of the submissions does not count toward it. Last evaluated 2025-12-08.

Conditions:
KMT2E-related disorder. Also called: KMT2E-related condition.

Allele frequency attached by ClinVar (database versions not stated): ExAC 0.00016; ESP Exome Variant Server 0.00023; gnomAD 0.00024; TOPMed 0.00025; 1000 Genomes Project 30x 0.00062; 1000 Genomes Project 0.00080.
gnomAD v4.1: 100 of 1,613,472 alleles (0.0062%); highest among the groups gnomAD compares: African/African-American, 0.068%; no homozygotes.

Submissions (3):

Labcorp Genetics (formerly Invitae), Labcorp
Classification: Benign. Last evaluated: 2025-12-08. Review status: criteria provided, single submitter. Criteria: Invitae Variant Classification Sherloc (09022015). Collection method: clinical testing. Allele origin: germline.

Blueprint Genetics
Classification: Likely benign. Last evaluated: 2024-03-21. Review status: criteria provided, single submitter. Criteria: ACMG Guidelines, 2015. Collection method: clinical testing. Allele origin: germline.

PreventionGenetics, part of Exact Sciences
Classification: Benign for KMT2E-related condition. Last evaluated: 2023-11-21. Review status: no assertion criteria provided. Collection method: clinical testing. Allele origin: germline. Not counted in ClinVar's aggregate classification.
Comment: This variant is classified as benign based on ACMG/AMP sequence variant interpretation guidelines (Richards et al. 2015 PMID: 25741868, with internal and published modifications).